The following is an entry in ClinVar:

ClinVar aggregate classification (germline): Uncertain significance. Review status: criteria provided, multiple submitters, no conflicts (2 of 4 stars). 2 submissions from 2 submitters: Uncertain significance (2). Last evaluated 2025-02-09.

Conditions:
Cardiovascular phenotype. Identifiers: MedGen CN230736.

gnomAD v4.1: 4 of 1,550,092 alleles (0.00026%); highest among the groups gnomAD compares: Middle Eastern, 0.017%; no homozygotes.

Submissions (2):

Ambry Genetics
Classification: Uncertain significance for Cardiovascular phenotype. Last evaluated: 2025-02-09. Review status: criteria provided, single submitter. Criteria: Ambry Variant Classification Scheme 2023. Collection method: clinical testing. Allele origin: germline.

GeneDx
Classification: Uncertain significance. Last evaluated: 2024-03-01. Review status: criteria provided, single submitter. Criteria: GeneDx Variant Classification Process June 2021. Collection method: clinical testing. Allele origin: germline.
Comment: Has not been previously published as pathogenic or benign to our knowledge; Not observed at significant frequency in large population cohorts (gnomAD); In silico analysis supports that this missense variant does not alter protein structure/function

NM_001367624.2(ZNF469):c.11182C>G (p.Pro3728Ala)

Gene: ZNF469 (zinc finger protein 469; plus strand). Cytogenetic location: 16q24.2.
Variant type: single nucleotide variant.
Coding change: c.11182C>G on transcript NM_001367624.2 (MANE Select); coding-DNA position 11182, C replaced by G.
Protein change: p.Pro3728Ala; replaces proline 3728 with alanine.
Molecular consequence: missense variant.
Genome position (GRCh38, 1-based): chr16:88,438,652, C>G. VCF-style: chr16-88438652-C-G. GRCh37 (hg19) VCF-style: chr16-88505060-C-G.
Other names: NM_001127464.1:c.11098C>G; short protein forms P3728A.
Identifiers: ClinVar variation 2446199 (VCV002446199.3), dbSNP rs1483624906, ClinGen allele CA397129302.